The following is an entry in ClinVar:

ClinVar aggregate classification (germline): Conflicting classifications of pathogenicity. Review status: criteria provided, conflicting classifications (1 of 4 stars). 3 submissions from 3 submitters: Uncertain significance (1); Likely benign (2). Last evaluated 2025-04-02.

Conditions:
Inborn genetic diseases. Identifiers: MedGen C0950123, MeSH D030342.

Allele frequency attached by ClinVar (database versions not stated): gnomAD exomes below 0.00001; gnomAD 0.00001; TOPMed 0.00002; ESP Exome Variant Server 0.00008.
gnomAD v4.1: 3 of 1,614,086 alleles (0.00019%); highest among the groups gnomAD compares: Non-Finnish European, 0.00025%; no homozygotes.

Submissions (3):

Ambry Genetics
Classification: Likely benign for Inborn genetic diseases. Last evaluated: 2025-04-02. Review status: criteria provided, single submitter. Criteria: Ambry Variant Classification Scheme 2023. Collection method: clinical testing. Allele origin: germline.

GeneDx
Classification: Uncertain significance. Last evaluated: 2023-12-04. Review status: criteria provided, single submitter. Criteria: GeneDx Variant Classification Process June 2021. Collection method: clinical testing. Allele origin: germline. Affected: yes.
Comment: Not observed at significant frequency in large population cohorts (gnomAD); In silico analysis supports that this variant does not alter splicing; Has not been previously published as pathogenic or benign to our knowledge

Labcorp Genetics (formerly Invitae), Labcorp
Classification: Likely benign. Last evaluated: 2023-07-27. Review status: criteria provided, single submitter. Criteria: Invitae Variant Classification Sherloc (09022015). Collection method: clinical testing. Allele origin: germline.

NM_001987.5(ETV6):c.699C>T (p.Tyr233=)

Gene: ETV6 (ETS variant transcription factor 6; plus strand). Cytogenetic location: 12p13.2.
Variant type: single nucleotide variant.
Coding change: c.699C>T on transcript NM_001987.5 (MANE Select); coding-DNA position 699, C replaced by T.
Protein change: p.Tyr233=; no amino-acid change (tyrosine 233 retained).
Molecular consequence: synonymous variant.
Genome position (GRCh38, 1-based): chr12:11,869,659, C>T. VCF-style: chr12-11869659-C-T. GRCh37 (hg19) VCF-style: chr12-12022593-C-T.
Other names: c.696C>T, p.Tyr232= (NM_001413913.1); c.672C>T, p.Tyr224= (NM_001413914.1); c.435C>T, p.Tyr145= (NM_001413915.1); c.699C>T, p.Tyr233= (NM_001413916.1, NM_001413917.1).
Identifiers: ClinVar variation 3001644 (VCV003001644.5), dbSNP rs149416707, ClinGen allele CA232608094.